The following is an entry in ClinVar:

NM_015272.5(RPGRIP1L):c.310C>T (p.Arg104Ter)

Gene: RPGRIP1L (RPGRIP1 like; minus strand). Cytogenetic location: 16q12.2.
Variant type: single nucleotide variant.
Coding change: c.310C>T on transcript NM_015272.5 (MANE Select); coding-DNA position 310, C replaced by T.
Protein change: p.Arg104Ter; replaces arginine 104 with a stop codon.
Molecular consequence: nonsense.
Genome position (GRCh38, 1-based): chr16:53,692,285, G>A on the plus strand (C>T on the coding strand, the complement: RPGRIP1L is on the minus strand). VCF-style: chr16-53692285-G-A. GRCh37 (hg19) VCF-style: chr16-53726197-G-A.
Other names: c.310C>T, p.Arg104Ter (NM_001127897.4, NM_001308334.3, NM_001330538.2); c.310C>T (NM_015272.4); short protein forms R104*.
Identifiers: ClinVar variation 949732 (VCV000949732.10), dbSNP rs547189939, ClinGen allele CA8058135.

ClinVar aggregate classification (germline): Pathogenic/Likely pathogenic. Review status: criteria provided, multiple submitters, no conflicts (2 of 4 stars). 3 submissions from 3 submitters: Pathogenic (1); Likely pathogenic (2). Last evaluated 2025-06-12.

Conditions:
RPGRIP1L-related disorder. Also called: RPGRIP1L-related disorders; RPGRIP1L-related condition. Identifiers: MedGen CN239416.
Joubert syndrome. Also called: JOUBERT-BOLTSHAUSER SYNDROME; Familial aplasia of the vermis. Identifiers: Orphanet 475, MedGen C5979921, MONDO:0018772.
Meckel-Gruber syndrome. Also called: DYSENCEPHALIA SPLANCHNOCYSTICA; GRUBER SYNDROME; Dysencephalia splachnocystica. Identifiers: Orphanet 564, MedGen C0265215, MONDO:0018921.

Allele frequency attached by ClinVar (database versions not stated): gnomAD exomes below 0.00001 and 0.00002; gnomAD 0.00001 and 0.00003; TOPMed 0.00001; ExAC 0.00002; 1000 Genomes Project 30x 0.00016; 1000 Genomes Project 0.00020.
gnomAD v4.1: 9 of 1,613,906 alleles (0.00056%); highest among the groups gnomAD compares: African/African-American, 0.004%; no homozygotes.

Submissions (3):

Labcorp Genetics (formerly Invitae), Labcorp
Classification: Pathogenic for Joubert syndrome; Meckel-Gruber syndrome. Last evaluated: 2025-06-12. Review status: criteria provided, single submitter. Criteria: Invitae Variant Classification Sherloc (09022015). Collection method: clinical testing. Allele origin: germline.
Comment: This sequence change creates a premature translational stop signal (p.Arg104*) in the RPGRIP1L gene. It is expected to result in an absent or disrupted protein product. Loss-of-function variants in RPGRIP1L are known to be pathogenic (PMID: 17558409). This variant is present in population databases (rs547189939, gnomAD 0.007%). This variant has not been reported in the literature in individuals affected with RPGRIP1L-related conditions. ClinVar contains an entry for this variant (Variation ID: 949732). For these reasons, this variant has been classified as Pathogenic.

Natera, Inc.
Classification: Likely pathogenic for Joubert syndrome. Last evaluated: 2025-05-15. Review status: criteria provided, single submitter. Criteria: Natera Variant Classification Schema (03/2026). Collection method: clinical testing. Allele origin: germline.
Comment: The c.310C>T variant in RPGRIP1L is a nonsense variant predicted to introduce a stop codon at amino acid 104. This variant is expected to result in nonsense mediated decay, truncation, or a dysfunctional protein product. This variant is rare in the general population with a frequency below the threshold expected for the associated phenotype(s). Given the available evidence, this variant is classified as Likely Pathogenic.

Blueprint Genetics
Classification: Likely pathogenic for RPGRIP1L-related disorders. Last evaluated: 2023-08-31. Review status: criteria provided, single submitter. Criteria: ACMG Guidelines, 2015. Collection method: clinical testing. Allele origin: germline. Affected: yes. Observed: 1 variant allele.

Literature cited by the submitters: PubMed 17558409 (cited by Labcorp Genetics (formerly Invitae), Labcorp).